The following is an entry in ClinVar:

NM_000166.6(GJB1):c.109G>C (p.Val37Leu)

Gene: GJB1 (gap junction protein beta 1; plus strand). Cytogenetic location: Xq13.1.
Variant type: single nucleotide variant.
Coding change: c.109G>C on transcript NM_000166.6 (MANE Select); coding-DNA position 109, G replaced by C.
Protein change: p.Val37Leu; replaces valine 37 with leucine.
Molecular consequence: missense variant.
Genome position (GRCh38, 1-based): chrX:71,223,816, G>C. VCF-style: chrX-71223816-G-C. GRCh37 (hg19) VCF-style: chrX-70443666-G-C.
Other names: c.109G>C, p.Val37Leu (NM_001097642.3); short protein forms V37L.
Identifiers: ClinVar variation 917093 (VCV000917093.2), dbSNP rs1057518946, ClinGen allele CA413500957.
Genomic context (GRCh38, chrX:71,223,816, plus strand): 5'-TCTACTGCCATTGGCCGAGTATGGCTCTCGGTCATCTTCATCTTCAGAATCATGGTGCTG[G>C]TGGTGGCTGCAGAGAGTGTGTGGGGTGATGAGAAATCTTCCTTCATCTGCAACACACTCC-3'
Protein context (NP_000157.1, residues 27-47): VIFIFRIMVL[Val37Leu]VAAESVWGDE

ClinVar aggregate classification (germline): Likely pathogenic. Review status: criteria provided, multiple submitters, no conflicts (2 of 4 stars). 2 submissions from 2 submitters: Likely pathogenic (2).

Conditions:
Charcot-Marie-Tooth disease. Also called: Charcot-Marie-Tooth Hereditary Neuropathy; Charcot-Marie-Tooth Neuropathy. Identifiers: Orphanet 166, MedGen C0007959, MONDO:0015626.
Charcot-Marie-Tooth disease X-linked dominant 1. Also called: HEREDITARY MOTOR AND SENSORY NEUROPATHY, X-LINKED; HMSN, X-LINKED; GJB1 Disorders: Charcot-Marie-Tooth Neuropathy (CMT1X) and Central Nervous System Phenotypes; CHARCOT-MARIE-TOOTH NEUROPATHY, X-LINKED, 1; CHARCOT-MARIE-TOOTH PERONEAL MUSCULAR ATROPHY, X-LINKED; X-linked Charcot-Marie-Tooth disease type 1. Identifiers: Orphanet 101075, MedGen C0393808, MONDO:0010549, OMIM 302800.

Allele frequency attached by ClinVar (database versions not stated): gnomAD exomes below 0.00001.
gnomAD v4.1: 1 of 1,211,622 alleles (0.000083%); highest among the groups gnomAD compares: Non-Finnish European, 0.00011%; no homozygotes.

Submissions (2):

Juno Genomics, Hangzhou Juno Genomics, Inc
Classification: Likely pathogenic for Charcot-Marie-Tooth disease X-linked dominant 1. Review status: criteria provided, single submitter. Criteria: ACMG Guidelines, 2015. Collection method: clinical testing. Allele origin: germline. Affected: yes.
Comment: Absent from controls (or at extremely low frequency if recessive) in Genome Aggregation Database, Exome Sequencing Project, 1000 Genomes Project, or Exome Aggregation Consortium.;Multiple lines of computational evidence support a deleterious effect on the gene or gene product (conservation, evolutionary, splicing impact, etc).;Located in a mutational hot spot and/or critical and well-established functional domain (e.g. active site of an enzyme) without benign variation.;Same amino acid change as a previously established pathogenic variant regardless of nucleotide change.

Molecular Genetics Laboratory, London Health Sciences Centre
Classification: Likely pathogenic for Charcot-Marie-Tooth disease. Review status: criteria provided, single submitter. Criteria: ACMG Guidelines, 2015. Collection method: clinical testing. Allele origin: germline. Affected: yes.